The following is an entry in ClinVar:

NM_005956.4(MTHFD1):c.29A>G (p.Lys10Arg)

Gene: MTHFD1 (methylenetetrahydrofolate dehydrogenase, cyclohydrolase and formyltetrahydrofolate synthetase 1; plus strand). Cytogenetic location: 14q23.3.
Variant type: single nucleotide variant.
Coding change: c.29A>G on transcript NM_005956.4 (MANE Select); coding-DNA position 29, A replaced by G.
Protein change: p.Lys10Arg; replaces lysine 10 with arginine.
Molecular consequence: missense variant.
Genome position (GRCh38, 1-based): chr14:64,388,456, A>G. VCF-style: chr14-64388456-A-G. GRCh37 (hg19) VCF-style: chr14-64855174-A-G.
Other names: c.29A>G, p.Lys10Arg (NM_001364837.1); short protein forms K10R.
Identifiers: ClinVar variation 2103665 (VCV002103665.4), dbSNP rs771986837, ClinGen allele CA7225799.

ClinVar aggregate classification (germline): Uncertain significance (1 of 4 stars; one submission).

Allele frequency attached by ClinVar (database versions not stated): gnomAD exomes below 0.00001; ExAC 0.00001.
gnomAD v4.1: 2 of 1,613,924 alleles (0.00012%); highest among the groups gnomAD compares: Non-Finnish European, 0.00017%; no homozygotes.

Submission:

Labcorp Genetics (formerly Invitae), Labcorp
Classification: Uncertain significance. Last evaluated: 2022-02-25. Review status: criteria provided, single submitter. Criteria: Invitae Variant Classification Sherloc (09022015). Collection method: clinical testing. Allele origin: germline.
Comment: In summary, the available evidence is currently insufficient to determine the role of this variant in disease. Therefore, it has been classified as a Variant of Uncertain Significance. Algorithms developed to predict the effect of missense changes on protein structure and function (SIFT, PolyPhen-2, Align-GVGD) all suggest that this variant is likely to be tolerated. This variant has not been reported in the literature in individuals affected with MTHFD1-related conditions. This variant is present in population databases (rs771986837, gnomAD 0.0009%). This sequence change replaces lysine, which is basic and polar, with arginine, which is basic and polar, at codon 10 of the MTHFD1 protein (p.Lys10Arg).